The following is an entry in ClinVar:

NM_015374.3(SUN2):c.458C>T (p.Ser153Leu)

Gene: SUN2 (Sad1 and UNC84 domain containing 2; minus strand). Cytogenetic location: 22q13.1.
Variant type: single nucleotide variant.
Coding change: c.458C>T on transcript NM_015374.3 (MANE Select); coding-DNA position 458, C replaced by T.
Protein change: p.Ser153Leu; replaces serine 153 with leucine.
Molecular consequence: missense variant. On other transcripts: intron variant (1).
Genome position (GRCh38, 1-based): chr22:38,750,287, G>A on the plus strand (C>T on the coding strand, the complement: SUN2 is on the minus strand). VCF-style: chr22-38750287-G-A. GRCh37 (hg19) VCF-style: chr22-39146292-G-A.
Other names: c.458C>T, p.Ser153Leu (NM_001394442.1, NM_001394444.1, NM_001394445.1 and 9 more transcripts); c.123-1504C>T (NM_001394443.1); c.521C>T, p.Ser174Leu (NM_001199579.2, NM_001394428.1); c.503C>T, p.Ser168Leu (NM_001394429.1, NM_001394430.1); c.368C>T, p.Ser123Leu (NM_001394438.1); c.320C>T, p.Ser107Leu (NM_001394439.1, NM_001394440.1, NM_001394441.1); short protein forms S153L, S174L, S168L, S107L, S123L.
Identifiers: ClinVar variation 1402975 (VCV001402975.6), dbSNP rs374690791, ClinGen allele CA324308333.

ClinVar aggregate classification (germline): Uncertain significance (1 of 4 stars; one submission).

Conditions:
Emery-Dreifuss muscular dystrophy (EDMD). Also called: Scapuloperoneal syndrome, X-linked (formerly); Humeroperoneal neuromuscular disease, (formerly). Identifiers: Orphanet 261, MedGen C0410189, MONDO:0016830.

Allele frequency attached by ClinVar (database versions not stated): gnomAD exomes below 0.00001; TOPMed 0.00002; gnomAD 0.00003; ESP Exome Variant Server 0.00008.

Submission:

Labcorp Genetics (formerly Invitae), Labcorp
Classification: Uncertain significance for Emery-Dreifuss muscular dystrophy. Last evaluated: 2022-04-19. Review status: criteria provided, single submitter. Criteria: Invitae Variant Classification Sherloc (09022015). Collection method: clinical testing. Allele origin: germline.
Comment: In summary, the available evidence is currently insufficient to determine the role of this variant in disease. Therefore, it has been classified as a Variant of Uncertain Significance. Algorithms developed to predict the effect of missense changes on protein structure and function are either unavailable or do not agree on the potential impact of this missense change (SIFT: "Tolerated"; PolyPhen-2: "Probably Damaging"; Align-GVGD: "Class C0"). This variant has not been reported in the literature in individuals affected with SUN2-related conditions. This variant is present in population databases (rs374690791, gnomAD 0.02%). This sequence change replaces serine, which is neutral and polar, with leucine, which is neutral and non-polar, at codon 153 of the SUN2 protein (p.Ser153Leu).